The following is an entry in ClinVar:

NM_001031685.3(TP53BP2):c.1905C>T (p.Ser635=)

Gene: TP53BP2 (tumor protein p53 binding protein 2; minus strand). Cytogenetic location: 1q41.
Variant type: single nucleotide variant.
Coding change: c.1905C>T on transcript NM_001031685.3 (MANE Select); coding-DNA position 1905, C replaced by T.
Protein change: p.Ser635=; no amino-acid change (serine 635 retained).
Molecular consequence: synonymous variant.
Genome position (GRCh38, 1-based): chr1:223,798,258, G>A on the plus strand (C>T on the coding strand, the complement: TP53BP2 is on the minus strand). VCF-style: chr1-223798258-G-A. GRCh37 (hg19) VCF-style: chr1-223985960-G-A.
Other names: NC_000001.10:g.223985960G>A; c.1518C>T, p.Ser506= (NM_005426.3).
Identifiers: ClinVar variation 789156 (VCV000789156.7), dbSNP rs140226297, ClinGen allele CA1412722.
Genomic context (GRCh38, chr1:223,798,258, plus strand): 5'-AACGTTAAGAACCTTACCACTTGAAAAGTGTGGCCCTCTGGTATGAGTCTTGGTCAACGC[G>A]CTCTGCACAGCCTGCTGGAAGTTTTTTCCTGGCGCCTGCTGTTGCGTATACATGGAATAT-3'
Protein context (NP_001026855.2, residues 625-645): PGKNFQQAVQ[Ser635=]ALTKTHTRGP

ClinVar aggregate classification (germline): Benign. Review status: criteria provided, single submitter (1 of 4 stars). 2 submissions from 2 submitters: Benign (1). 1 of the submissions does not count toward it. Last evaluated 2019-12-31.

Conditions:
TP53BP2-related disorder. Also called: TP53BP2-related condition.

Allele frequency attached by ClinVar (database versions not stated): gnomAD 0.00364 and 0.00346; ESP Exome Variant Server 0.00415; gnomAD exomes 0.00586 and 0.00349; 1000 Genomes Project 30x 0.00047; 1000 Genomes Project 0.00060; TOPMed 0.00312; ExAC 0.00359.
gnomAD v4.1: 8,952 of 1,614,150 alleles (0.55%); highest among the groups gnomAD compares: Non-Finnish European, 0.7%; 34 homozygotes.

Submissions (11):

Labcorp Genetics (formerly Invitae), Labcorp
Classification: Benign. Last evaluated: 2019-12-31. Review status: criteria provided, single submitter. Criteria: Invitae Variant Classification Sherloc (09022015). Collection method: clinical testing. Allele origin: germline.

PreventionGenetics, part of Exact Sciences
Classification: Likely benign for TP53BP2-related condition. Last evaluated: 2019-09-23. Review status: no assertion criteria provided. Collection method: clinical testing. Allele origin: germline. Not counted in ClinVar's aggregate classification.
Comment: This variant is classified as likely benign based on ACMG/AMP sequence variant interpretation guidelines (Richards et al. 2015 PMID: 25741868, with internal and published modifications).

Dr. Peter K. Rogan Lab, Western University
No classification provided (evidence only). Condition: Clear cell carcinoma of kidney. Review status: no classification provided. Collection method: in vitro. Allele origin: not applicable. Functional consequence: retained intron. Not counted in ClinVar's aggregate classification.

Dr. Peter K. Rogan Lab, Western University
No classification provided (evidence only). Condition: Lung cancer. Review status: no classification provided. Collection method: in vitro. Allele origin: not applicable. Functional consequence: skipped exon. Not counted in ClinVar's aggregate classification.

Dr. Peter K. Rogan Lab, Western University
No classification provided (evidence only). Condition: Lung cancer. Review status: no classification provided. Collection method: in vitro. Allele origin: not applicable. Functional consequence: skipped exon. Not counted in ClinVar's aggregate classification.

Dr. Peter K. Rogan Lab, Western University
No classification provided (evidence only). Condition: Melanoma. Review status: no classification provided. Collection method: in vitro. Allele origin: not applicable. Functional consequence: skipped exon, retained intron. Not counted in ClinVar's aggregate classification.

Dr. Peter K. Rogan Lab, Western University
No classification provided (evidence only). Condition: Cervical cancer. Review status: no classification provided. Collection method: in vitro. Allele origin: not applicable. Functional consequence: skipped exon. Not counted in ClinVar's aggregate classification.

Dr. Peter K. Rogan Lab, Western University
No classification provided (evidence only). Condition: Sarcoma. Review status: no classification provided. Collection method: in vitro. Allele origin: not applicable. Functional consequence: skipped exon, retained intron. Not counted in ClinVar's aggregate classification.

Dr. Peter K. Rogan Lab, Western University
No classification provided (evidence only). Condition: Sarcoma. Review status: no classification provided. Collection method: in vitro. Allele origin: not applicable. Functional consequence: retained intron. Not counted in ClinVar's aggregate classification.

Dr. Peter K. Rogan Lab, Western University
No classification provided (evidence only). Condition: Ovarian serous cystadenocarcinoma. Review status: no classification provided. Collection method: in vitro. Allele origin: not applicable. Functional consequence: retained intron. Not counted in ClinVar's aggregate classification.

Dr. Peter K. Rogan Lab, Western University
No classification provided (evidence only). Condition: Malignant tumor of esophagus. Review status: no classification provided. Collection method: in vitro. Allele origin: not applicable. Functional consequence: retained intron. Not counted in ClinVar's aggregate classification.